The following is an entry in ClinVar:

ClinVar aggregate classification (germline): Uncertain significance (1 of 4 stars; one submission).

Allele frequency attached by ClinVar (database versions not stated): gnomAD exomes below 0.00001; ExAC 0.00001; TOPMed 0.00003.
gnomAD v4.1: 5 of 1,613,576 alleles (0.00031%); highest among the groups gnomAD compares: East Asian, 0.0022%; no homozygotes.

Submission:

Labcorp Genetics (formerly Invitae), Labcorp
Classification: Uncertain significance. Last evaluated: 2024-02-10. Review status: criteria provided, single submitter. Criteria: Invitae Variant Classification Sherloc (09022015). Collection method: clinical testing. Allele origin: germline.
Comment: This sequence change replaces glycine, which is neutral and non-polar, with arginine, which is basic and polar, at codon 1144 of the KMT2E protein (p.Gly1144Arg). This variant is present in population databases (rs747051315, gnomAD 0.006%). This missense change has been observed in individual(s) with KMT2E-related conditions (PMID: 33004838). Advanced modeling of protein sequence and biophysical properties (such as structural, functional, and spatial information, amino acid conservation, physicochemical variation, residue mobility, and thermodynamic stability) performed at Invitae indicates that this missense variant is not expected to disrupt KMT2E protein function with a negative predictive value of 80%. In summary, the available evidence is currently insufficient to determine the role of this variant in disease. Therefore, it has been classified as a Variant of Uncertain Significance.

Literature cited by the submitters: PubMed 33004838.

NM_182931.3(KMT2E):c.3430G>A (p.Gly1144Arg)

Gene: KMT2E (lysine methyltransferase 2E (inactive); plus strand). Cytogenetic location: 7q22.3.
Variant type: single nucleotide variant.
Coding change: c.3430G>A on transcript NM_182931.3 (MANE Select); coding-DNA position 3430, G replaced by A.
Protein change: p.Gly1144Arg; replaces glycine 1144 with arginine.
Molecular consequence: missense variant.
Genome position (GRCh38, 1-based): chr7:105,107,887, G>A. VCF-style: chr7-105107887-G-A. GRCh37 (hg19) VCF-style: chr7-104748334-G-A.
Other names: c.3430G>A, p.Gly1144Arg (NM_001410908.1, NM_018682.4); short protein forms G1144R.
Identifiers: ClinVar variation 2882712 (VCV002882712.3), dbSNP rs747051315, ClinGen allele CA4424471.
Genomic context (GRCh38, chr7:105,107,887, plus strand): 5'-ACTTCCGAAGATGGGCTTGTATCTGGTTTCGGACGGACTGTTAATGACAATTTGATCGAC[G>A]GGAATTGCACACCCCAGAATCCACCACAAAAGAAAAAGGTTACAAATTTAACAATTTATA-3'
Protein context (NP_891847.1, residues 1134-1154): GRTVNDNLID[Gly1144Arg]NCTPQNPPQK